The following is an entry in ClinVar:

NM_020529.3(NFKBIA):c.283C>T (p.Arg95Cys)

Gene: NFKBIA (NFKB inhibitor alpha; minus strand). Cytogenetic location: 14q13.2.
Variant type: single nucleotide variant.
Coding change: c.283C>T on transcript NM_020529.3 (MANE Select); coding-DNA position 283, C replaced by T.
Protein change: p.Arg95Cys; replaces arginine 95 with cysteine.
Molecular consequence: missense variant.
Genome position (GRCh38, 1-based): chr14:35,403,743, G>A on the plus strand (C>T on the coding strand, the complement: NFKBIA is on the minus strand). VCF-style: chr14-35403743-G-A. GRCh37 (hg19) VCF-style: chr14-35872949-G-A.
Other names: short protein forms R95C.
Identifiers: ClinVar variation 841632 (VCV000841632.10), dbSNP rs779105881, ClinGen allele CA7155532.

ClinVar aggregate classification (germline): Uncertain significance (1 of 4 stars; one submission).

Conditions:
Ectodermal dysplasia and immunodeficiency 2. Identifiers: Orphanet 238468, Orphanet 98813, MedGen C2677481, MONDO:0012806, OMIM 612132.

Allele frequency attached by ClinVar (database versions not stated): gnomAD 0.00001; gnomAD exomes 0.00002; ExAC 0.00003.
gnomAD v4.1: 31 of 1,613,850 alleles (0.0019%); highest among the groups gnomAD compares: Admixed American, 0.0067%; no homozygotes.

Submission:

Labcorp Genetics (formerly Invitae), Labcorp
Classification: Uncertain significance for Ectodermal dysplasia and immunodeficiency 2. Last evaluated: 2024-03-28. Review status: criteria provided, single submitter. Criteria: Invitae Variant Classification Sherloc (09022015). Collection method: clinical testing. Allele origin: germline.
Comment: This sequence change replaces arginine, which is basic and polar, with cysteine, which is neutral and slightly polar, at codon 95 of the NFKBIA protein (p.Arg95Cys). This variant is present in population databases (rs779105881, gnomAD 0.009%). This variant has not been reported in the literature in individuals affected with NFKBIA-related conditions. ClinVar contains an entry for this variant (Variation ID: 841632). An algorithm developed to predict the effect of missense changes on protein structure and function (PolyPhen-2) suggests that this variant is likely to be disruptive. In summary, the available evidence is currently insufficient to determine the role of this variant in disease. Therefore, it has been classified as a Variant of Uncertain Significance.